The following is an entry in ClinVar:

NM_021224.6(ZNF462):c.1351C>T (p.Arg451Ter)

Gene: ZNF462 (zinc finger protein 462; plus strand). Cytogenetic location: 9q31.2.
Variant type: single nucleotide variant.
Coding change: c.1351C>T on transcript NM_021224.6 (MANE Select); coding-DNA position 1351, C replaced by T.
Protein change: p.Arg451Ter; replaces arginine 451 with a stop codon.
Molecular consequence: nonsense.
Genome position (GRCh38, 1-based): chr9:106,925,263, C>T. VCF-style: chr9-106925263-C-T. GRCh37 (hg19) VCF-style: chr9-109687544-C-T.
Other names: c.1351C>T, p.Arg451Ter (NM_001347997.2); short protein forms R451*.
Identifiers: ClinVar variation 1526086 (VCV001526086.2), dbSNP rs2131454461, ClinGen allele CA374384391.

ClinVar aggregate classification (germline): Pathogenic (1 of 4 stars; one submission).

Conditions:
Weiss-Kruszka syndrome. Also called: Metopic ridging-ptosis-facial dysmorphism syndrome. Identifiers: Orphanet 502430, MedGen C5568107, MONDO:0032836, OMIM 618619.

Submission:

3billion
Classification: Pathogenic for Weiss-Kruszka syndrome. Last evaluated: 2025-10-01. Review status: criteria provided, single submitter. Criteria: ACMG Guidelines, 2015. Collection method: clinical testing. Allele origin: germline. Affected: yes.
Comment: The variant is not observed in the gnomAD v4.1.0 dataset. Predicted Consequence/Location: Stop-gained (nonsense): predicted to result in a loss or disruption of normal protein function through nonsense-mediated decay (NMD) or protein truncation. Multiple pathogenic variants are reported downstream of the variant. The variant has been reported to be associated with ZNF462-related disorder (ClinVar ID: VCV001526086 /3billion dataset). Therefore, this variant is classified as Pathogenic according to the recommendation of ACMG/AMP guideline.